The following is an entry in ClinVar:

NM_002491.3(NDUFB3):c.75A>C (p.Glu25Asp)

Gene: NDUFB3 (NADH:ubiquinone oxidoreductase subunit B3; plus strand). Cytogenetic location: 2q33.1.
Variant type: single nucleotide variant.
Coding change: c.75A>C on transcript NM_002491.3 (MANE Select); coding-DNA position 75, A replaced by C.
Protein change: p.Glu25Asp; replaces glutamic acid 25 with aspartic acid.
Molecular consequence: missense variant.
Genome position (GRCh38, 1-based): chr2:201,078,957, A>C. VCF-style: chr2-201078957-A-C. GRCh37 (hg19) VCF-style: chr2-201943680-A-C.
Other names: c.75A>C, p.Glu25Asp (NM_001257102.2); short protein forms E25D.
Identifiers: ClinVar variation 1723863 (VCV001723863.2), dbSNP rs2469677319, ClinGen allele CA350268602.

ClinVar aggregate classification (germline): Uncertain significance (1 of 4 stars; one submission).

gnomAD v4.1: 2 of 1,613,668 alleles (0.00012%); highest among the groups gnomAD compares: Non-Finnish European, 0.00017%; no homozygotes.

Submission:

GeneDx
Classification: Uncertain significance. Last evaluated: 2022-05-05. Review status: criteria provided, single submitter. Criteria: GeneDx Variant Classification Process June 2021. Collection method: clinical testing. Allele origin: germline. Affected: yes.
Comment: Not observed at significant frequency in large population cohorts (gnomAD); In silico analysis supports that this missense variant has a deleterious effect on protein structure/function; Has not been previously published as pathogenic or benign to our knowledge